The following is an entry in ClinVar:

NM_007294.4(BRCA1):c.2659dup (p.Ala887fs)

Gene: BRCA1 (BRCA1 DNA repair associated; minus strand). Cytogenetic location: 17q21.31.
Variant type: Duplication.
Coding change: c.2659dup on transcript NM_007294.4 (MANE Select); coding-DNA position 2659, one base duplicated (G; older notation c.2659dupG).
Protein change: p.Ala887fs; shifts the reading frame from alanine 887.
Molecular consequence: frameshift variant. On other transcripts: intron variant (137).
Genome position (GRCh38, 1-based): chr17:43,092,872, C duplicated on the plus strand (G on the coding strand, the reverse complement: BRCA1 is on the minus strand). VCF-style (leftmost placement, unchanged base first): chr17-43092871-G-GC. GRCh37 (hg19) VCF-style: chr17-41244888-G-GC.
Other names: 2777insG-ter903; c.2659dupG (NM_007294.3); c.665-1840dup (NM_001408437.1, NM_001408429.1, NM_001408442.1 and 12 more transcripts); c.788-1840dup (NM_001407979.1, NM_001407977.1, NM_001407982.1 and 17 more transcripts); c.647-1840dup (NM_001408410.1, NM_001408458.1, NM_001408469.1 and 11 more transcripts); c.710-1840dup (NM_001408415.1, NM_001408412.1, NM_001408409.1 and 2 more transcripts); c.578-1840dup (NM_001408483.1, NM_001408481.1, NM_001408480.1 and 9 more transcripts); c.2446dup, p.Ala816fs (NM_001407571.1, NM_001407853.1, NM_001407894.1 and 9 more transcripts); and 43 more; short protein forms A887fs, A840fs, A719fs, A760fs, A798fs, A839fs, A775fs, A776fs.
Identifiers: ClinVar variation 54631 (VCV000054631.7), dbSNP rs1555589203, ClinGen allele CA327828.

ClinVar aggregate classification (germline): Pathogenic. Review status: reviewed by expert panel (3 of 4 stars). 2 submissions from 2 submitters: Pathogenic (1). 1 of the submissions does not count toward it. Last evaluated 2016-10-18.

Conditions:
Breast-ovarian cancer, familial, susceptibility to, 1 (BROVCA1). Also called: OVARIAN CANCER, SUSCEPTIBILITY TO; BRCA1 Hereditary Breast and Ovarian Cancer. Identifiers: Orphanet 145, MedGen C2676676, MONDO:0011450, OMIM 604370. Disease mechanism: loss of function.

Submissions (2):

Evidence-based Network for the Interpretation of Germline Mutant Alleles (ENIGMA)
Classification: Pathogenic for Breast-ovarian cancer, familial, susceptibility to, 1. Last evaluated: 2016-10-18. Review status: reviewed by expert panel. Criteria: ENIGMA BRCA1/2 Classification Criteria (2015). Collection method: curation. Allele origin: germline.
Comment: Variant allele predicted to encode a truncated non-functional protein.

Consortium of Investigators of Modifiers of BRCA1/2 (CIMBA), c/o University of Cambridge
Classification: Pathogenic for Breast-ovarian cancer, familial, susceptibility to, 1. Last evaluated: 2015-10-02. Review status: criteria provided, single submitter. Criteria: CIMBA Mutation Classification guidelines May 2016. Collection method: clinical testing. Allele origin: germline. Not counted in ClinVar's aggregate classification.